The following is an entry in ClinVar:

ClinVar aggregate classification (germline): Likely pathogenic (1 of 4 stars; one submission).

Submission:

CeGaT Center for Human Genetics Tuebingen
Classification: Likely pathogenic. Last evaluated: 2024-02-01. Review status: criteria provided, single submitter. Criteria: CeGaT Center For Human Genetics Tuebingen Variant Classification Criteria Version 2. Collection method: clinical testing. Allele origin: germline. Affected: yes. Observed: 3 variant alleles.
Comment: GALNT2: PM2, PP4:Moderate, PM3:Supporting, PP3

NM_004481.5(GALNT2):c.1076A>G (p.His359Arg)

Gene: GALNT2 (polypeptide N-acetylgalactosaminyltransferase 2; plus strand). Cytogenetic location: 1q42.13.
Variant type: single nucleotide variant.
Coding change: c.1076A>G on transcript NM_004481.5 (MANE Select); coding-DNA position 1076, A replaced by G.
Protein change: p.His359Arg; replaces histidine 359 with arginine.
Molecular consequence: missense variant.
Genome position (GRCh38, 1-based): chr1:230,255,284, A>G. VCF-style: chr1-230255284-A-G. GRCh37 (hg19) VCF-style: chr1-230391030-A-G.
Other names: c.962A>G, p.His321Arg (NM_001291866.2); short protein forms H321R, H359R.
Identifiers: ClinVar variation 1711244 (VCV001711244.30), dbSNP rs2527616593, ClinGen allele CA345186896.